The following is an entry in ClinVar:

NC_000005.9:g.(?_73992508)_(73992941_?)dup

Gene: HEXB (hexosaminidase subunit beta; plus strand). Cytogenetic location: 5q13.3.
Variant type: Duplication.
Identifiers: ClinVar variation 1498760 (VCV001498760.3).

ClinVar aggregate classification (germline): Likely pathogenic (1 of 4 stars; one submission).

Conditions:
Sandhoff disease. Also called: Beta-hexosaminidase-beta-subunit deficiency; GM2 gangliosidosis, type 2; Total hexosaminidase deficiency; Sandhoff-Jatzkewitz-Pilz disease; GM2-GANGLIOSIDOSIS, TYPE II; HEXOSAMINIDASES A AND B DEFICIENCY. Identifiers: Orphanet 796, MedGen C0036161, MONDO:0010006, OMIM 268800.

Submission:

Labcorp Genetics (formerly Invitae), Labcorp
Classification: Likely pathogenic for Sandhoff disease. Last evaluated: 2020-12-09. Review status: criteria provided, single submitter. Criteria: Invitae Variant Classification Sherloc (09022015). Collection method: clinical testing. Allele origin: germline.
Comment: This variant results in a copy number gain of the genomic region encompassing exon(s) 4-5 of the HEXB gene. While the exact position of this variant cannot be determined from the data, sub-genic copy number gains are generally in tandem (PMID: 25640679). This variant is predicted to be out-of-frame, and may result in an absent or disrupted protein product. Loss-of-function variants in HEXB are known to be pathogenic (PMID: 7550345, 18758829). This variant has not been reported in the literature in individuals with HEXB-related conditions. In summary, the currently available evidence indicates that the variant is pathogenic, but additional data are needed to prove that conclusively. Therefore, this variant has been classified as Likely Pathogenic.

Literature cited by the submitters: PubMed 25640679; PubMed 7550345; PubMed 18758829.